The following is an entry in ClinVar:

ClinVar aggregate classification (germline): Uncertain significance. Review status: criteria provided, multiple submitters, no conflicts (2 of 4 stars). 2 submissions from 2 submitters: Uncertain significance (2). Last evaluated 2024-11-08.

Conditions:
Elliptocytosis 2 (EL2). Also called: ELLIPTOCYTOSIS, RHESUS-UNLINKED TYPE. Identifiers: Orphanet 288, MedGen C1851741, MONDO:0007533, OMIM 130600.

gnomAD v4.1: 10 of 1,613,626 alleles (0.00062%); highest among the groups gnomAD compares: South Asian, 0.0055%; no homozygotes.

Submissions (2):

Ambry Genetics
Classification: Uncertain significance. Last evaluated: 2024-11-08. Review status: criteria provided, single submitter. Criteria: Ambry Variant Classification Scheme 2023. Collection method: clinical testing. Allele origin: germline.

Johns Hopkins Genomics, Johns Hopkins University
Classification: Uncertain significance for Elliptocytosis 2. Last evaluated: 2024-04-29. Review status: criteria provided, single submitter. Criteria: ACMG Guidelines, 2015. Collection method: clinical testing. Allele origin: germline.
Comment: This SPTA1 missense variant (rs769401937) is rare (<0.1%) in a large population dataset (gnomAD v4.1.0: 10/1613626 total alleles; 0.0006%; no homozygotes). It has not been reported in ClinVar nor the literature, to our knowledge. Two bioinformatic tools queried predict that this substitution would be tolerated, and the alanine residue at this position is very poorly evolutionarily conserved across the species assessed. We consider the clinical significance of c.776C>T in SPTA1 to be uncertain at this time.

Literature cited by the submitters: PubMed 35961434 (cited by Johns Hopkins Genomics, Johns Hopkins University).

NM_003126.4(SPTA1):c.776C>T (p.Ala259Val)

Gene: SPTA1 (spectrin alpha, erythrocytic 1; minus strand). Cytogenetic location: 1q23.1.
Variant type: single nucleotide variant.
Coding change: c.776C>T on transcript NM_003126.4 (MANE Select); coding-DNA position 776, C replaced by T.
Protein change: p.Ala259Val; replaces alanine 259 with valine.
Molecular consequence: missense variant.
Genome position (GRCh38, 1-based): chr1:158,678,437, G>A on the plus strand (C>T on the coding strand, the complement: SPTA1 is on the minus strand). VCF-style: chr1-158678437-G-A. GRCh37 (hg19) VCF-style: chr1-158648227-G-A.
Other names: short protein forms A259V.
Identifiers: ClinVar variation 3448896 (VCV003448896.2).